The following is an entry in ClinVar:

ClinVar aggregate classification (germline): Benign. Review status: criteria provided, multiple submitters, no conflicts (2 of 4 stars). 9 submissions from 7 submitters: Benign (9). Last evaluated 2026-02-04.

Conditions:
Schwartz-Jampel syndrome. Also called: Myotonic myopathy dwarfism chondrodystrophy and ocular and facial abnormalities. Identifiers: Orphanet 800, MedGen C0036391, MONDO:0009717.
Lethal Kniest-like syndrome (DDSH). Also called: Dyssegmental Dysplasia. Identifiers: Orphanet 1865, MedGen C1857100, MONDO:0009140, OMIM 224410.

Allele frequency attached by ClinVar (database versions not stated): 1000 Genomes Project 30x 0.94066; ESP Exome Variant Server 0.94087; TOPMed 0.94102; 1000 Genomes Project 0.94229; gnomAD 0.94485 and 0.94866; ExAC 0.98374; gnomAD exomes 0.98580 and 0.99480.
gnomAD v4.1: 1,581,837 of 1,597,536 alleles (99%); highest among the groups gnomAD compares: East Asian, 100%; 784,312 homozygotes.

Submissions (9):

Labcorp Genetics (formerly Invitae), Labcorp
Classification: Benign. Last evaluated: 2026-02-04. Review status: criteria provided, single submitter. Criteria: Invitae Variant Classification Sherloc (09022015). Collection method: clinical testing. Allele origin: germline.

ARUP Laboratories, Molecular Genetics and Genomics, ARUP Laboratories
Classification: Benign. Last evaluated: 2025-07-22. Review status: criteria provided, single submitter. Criteria: ARUP Molecular Germline Variant Investigation Process 2024. Collection method: clinical testing. Allele origin: germline.

Blueprint Genetics
Classification: Benign. Last evaluated: 2024-11-26. Review status: criteria provided, single submitter. Criteria: ACMG Guidelines, 2015. Collection method: clinical testing. Allele origin: germline.

Genome-Nilou Lab
Classification: Benign for Lethal Kniest-like syndrome. Last evaluated: 2021-08-10. Review status: criteria provided, single submitter. Criteria: ACMG Guidelines, 2015. Collection method: clinical testing. Allele origin: germline. Affected: no.

Genome-Nilou Lab
Classification: Benign for Schwartz-Jampel syndrome type 1. Last evaluated: 2021-08-10. Review status: criteria provided, single submitter. Criteria: ACMG Guidelines, 2015. Collection method: clinical testing. Allele origin: germline. Affected: no.

GeneDx
Classification: Benign. Last evaluated: 2019-03-31. Review status: criteria provided, single submitter. Criteria: GeneDx Variant Classification Process June 2021. Collection method: clinical testing. Allele origin: germline. Affected: yes.

Illumina Laboratory Services, Illumina
Classification: Benign for Schwartz-Jampel syndrome type 1. Last evaluated: 2018-01-12. Review status: criteria provided, single submitter. Criteria: ICSL Variant Classification Criteria 13 December 2019. Collection method: clinical testing. Allele origin: germline.
Comment: This variant was observed in the ICSL laboratory as part of a predisposition screen in an ostensibly healthy population. It had not been previously curated by ICSL or reported in the Human Gene Mutation Database (HGMD: prior to June 1st, 2018), and was therefore a candidate for classification through an automated scoring system. Utilizing variant allele frequency, disease prevalence and penetrance estimates, and inheritance mode, an automated score was calculated to assess if this variant is too frequent to cause the disease. Based on the score and internal cut-off values, a variant classified as benign is not then subjected to further curation. The score for this variant resulted in a classification of benign for this disease.

Illumina Laboratory Services, Illumina
Classification: Benign for Lethal Kniest-like syndrome. Last evaluated: 2018-01-12. Review status: criteria provided, single submitter. Criteria: ICSL Variant Classification Criteria 13 December 2019. Collection method: clinical testing. Allele origin: germline.
Comment: the same text as in the submission from Illumina Laboratory Services, Illumina above.

Breakthrough Genomics
Classification: Benign. Review status: criteria provided, single submitter. Criteria: ACMG Guidelines, 2015. Collection method: not provided. Allele origin: germline. Inheritance: Autosomal recessive inheritance. Affected: yes.

NM_005529.7(HSPG2):c.3302+13G>A

Gene: HSPG2 (heparan sulfate proteoglycan 2; minus strand). Cytogenetic location: 1p36.12.
Variant type: single nucleotide variant.
Coding change: c.3302+13G>A on transcript NM_005529.7 (MANE Select); 13 bases into the intron after coding-DNA position 3302, G replaced by A.
Molecular consequence: intron variant.
Genome position (GRCh38, 1-based): chr1:21,875,616, C>T on the plus strand (G>A on the coding strand, the complement: HSPG2 is on the minus strand). VCF-style: chr1-21875616-C-T. GRCh37 (hg19) VCF-style: chr1-22202109-C-T.
Other names: c.3305+13G>A (NM_001291860.2).
Identifiers: ClinVar variation 295864 (VCV000295864.33), dbSNP rs2501265, ClinGen allele CA672709.